The following is an entry in ClinVar:

NM_005618.4(DLL1):c.137_152dup (p.Pro52fs)

Gene: DLL1 (delta like canonical Notch ligand 1; minus strand). Cytogenetic location: 6q27.
Variant type: Duplication.
Coding change: c.137_152dup on transcript NM_005618.4 (MANE Select); coding-DNA positions 137 to 152, 16 bases duplicated (GCGGGGGCGCGGGGCC).
Protein change: p.Pro52fs; shifts the reading frame from proline 52.
Molecular consequence: frameshift variant.
Genome position (GRCh38, 1-based): chr6:170,289,711-170,289,726, GGCCCCGCGCCCCCGC duplicated on the plus strand (GCGGGGGCGCGGGGCC on the coding strand, the reverse complement: DLL1 is on the minus strand); duplicating any 16 consecutive bases within chr6:170,289,711-170,289,729 gives the same sequence; the c. name uses the placement nearest the transcript's 3' end. VCF-style (leftmost placement, unchanged base first): chr6-170289710-T-TGGCCCCGCGCCCCCGC. GRCh37 (hg19) VCF-style: chr6-170598798-T-TGGCCCCGCGCCCCCGC.
Other names: short protein forms P52fs.
Identifiers: ClinVar variation 2823823 (VCV002823823.3), dbSNP rs2483363426, ClinGen allele CA2739266216.

ClinVar aggregate classification (germline): Pathogenic (1 of 4 stars; one submission).

Submission:

Labcorp Genetics (formerly Invitae), Labcorp
Classification: Pathogenic. Last evaluated: 2022-12-27. Review status: criteria provided, single submitter. Criteria: Invitae Variant Classification Sherloc (09022015). Collection method: clinical testing. Allele origin: germline.
Comment: This variant has not been reported in the literature in individuals affected with DLL1-related conditions. This variant is not present in population databases (gnomAD no frequency). This sequence change creates a premature translational stop signal (p.Pro52Argfs*79) in the DLL1 gene. It is expected to result in an absent or disrupted protein product. Loss-of-function variants in DLL1 are known to be pathogenic (PMID: 31353024). For these reasons, this variant has been classified as Pathogenic.

Literature cited by the submitters: PubMed 31353024.